The following is an entry in ClinVar:

NM_001267550.2(TTN):c.91791del (p.Val30596_Tyr30597insTer)

Genes: TTN (titin; minus strand), TTN-AS1 (TTN antisense RNA 1; plus strand). Cytogenetic location: 2q31.2.
Variant type: Deletion.
Coding change: c.91791del on transcript NM_001267550.2 (MANE Select); coding-DNA position 91791, one base deleted (C; older notation c.91791delC).
Protein change: p.Val30596_Tyr30597insTer.
Molecular consequence: nonsense.
Genome position (GRCh38, 1-based): chr2:178,550,047, G deleted on the plus strand (C on the coding strand, the reverse complement: TTN is on the minus strand). VCF-style (leftmost placement, unchanged base first): chr2-178550046-TG-T. GRCh37 (hg19) VCF-style: chr2-179414773-TG-T.
Other names: c.86868del, p.Val28955_Tyr28956insTer (NM_001256850.1); c.64596del, p.Val21531_Tyr21532insTer (NM_003319.4); c.84087del, p.Val28028_Tyr28029insTer (NM_133378.4); c.64971del, p.Val21656_Tyr21657insTer (NM_133432.3); c.65172del, p.Val21723_Tyr21724insTer (NM_133437.4); c.64596delC (NM_003319.4).
Identifiers: ClinVar variation 3463807 (VCV003463807.8).
Genomic context (GRCh38, chr2:178,550,046, plus strand): 5'-CTTGTACTTTCACTTTAATTTCTGCTTTTGCAGAACCAGATGCATTTTTGGCTTCCACTG[TG>T]TATACACCACGATGGTCCCGAGTAGCATCTCTAACAAATAGGCTGGTGGATCCAAGTACG-3'

ClinVar aggregate classification (germline): Pathogenic/Likely pathogenic. Review status: criteria provided, multiple submitters, no conflicts (2 of 4 stars). 3 submissions from 3 submitters: Pathogenic (1); Likely pathogenic (2). Last evaluated 2024-10-25.

Conditions:
Cardiovascular phenotype. Identifiers: MedGen CN230736.
Autosomal recessive limb-girdle muscular dystrophy type 2J (LGMDR10). Also called: MUSCULAR DYSTROPHY, LIMB-GIRDLE, AUTOSOMAL RECESSIVE 10; Limb-girdle muscular dystrophy, type 2J. Identifiers: Orphanet 140922, MedGen C1837342, MONDO:0012127, OMIM 608807.
Dilated cardiomyopathy 1G (CMD1G). Identifiers: Orphanet 154, MedGen C1858763, MONDO:0011400, OMIM 604145.

Submissions (3):

Ambry Genetics
Classification: Likely pathogenic for Cardiovascular phenotype. Last evaluated: 2024-10-25. Review status: criteria provided, single submitter. Criteria: Ambry Variant Classification Scheme 2023. Collection method: clinical testing. Allele origin: germline.
Comment: The c.64596delC variant, located in coding exon 164 of the TTN gene, results from a deletion of one nucleotide at nucleotide position 64596, causing a translational frameshift with a predicted alternate stop codon (p.Y21532*). This exon is located in the A-band region of the N2-B isoform of the titin protein and is constitutively expressed in TTN transcripts (percent spliced in or PSI 100%). This variant is considered to be rare based on population cohorts in the Genome Aggregation Database (gnomAD). This alteration is expected to result in loss of function by premature protein truncation or nonsense-mediated mRNA decay. While truncating variants in TTN are present in 1-3% of the general population, truncating variants in the A-band are the most common cause of dilated cardiomyopathy (DCM) (Herman DS et al. N. Engl. J. Med., 2012 Feb;366:619-28; Roberts AM et al. Sci Transl Med, 2015 Jan;7:270ra6). TTN truncating variants encoded in constitutive exons (PSI >90%) have been found to be significantly associated with DCM regardless of their position in titin (Schafer S et al. Nat. Genet., 2017 01;49:46-53). Based on the majority of available evidence to date, this variant is likely to be pathogenic.

Labcorp Genetics (formerly Invitae), Labcorp
Classification: Likely pathogenic for Dilated cardiomyopathy 1G; Autosomal recessive limb-girdle muscular dystrophy type 2J. Last evaluated: 2024-05-14. Review status: criteria provided, single submitter. Criteria: Invitae Variant Classification Sherloc (09022015). Collection method: clinical testing. Allele origin: germline.
Comment: This sequence change creates a premature translational stop signal (p.Tyr30597*) in the TTN gene. While this is not anticipated to result in nonsense mediated decay, it is expected to create a truncated TTN protein. This variant is not present in population databases (gnomAD no frequency). This variant has not been reported in the literature in individuals affected with TTN-related conditions. This variant is located in the A band of TTN (PMID: 25589632). Truncating variants in this region are significantly overrepresented in patients affected with dilated cardiomyopathy (PMID: 25589632). Truncating variants in this region have also been reported in individuals affected with autosomal recessive centronuclear myopathy (PMID: 23975875). In summary, the currently available evidence indicates that the variant is pathogenic, but additional data are needed to prove that conclusively. Therefore, this variant has been classified as Likely Pathogenic.

Institute of Human Genetics Munich, TUM University Hospital
Classification: Pathogenic for Dilated cardiomyopathy 1G. Last evaluated: 2024-01-19. Review status: criteria provided, single submitter. Criteria: Classification criteria August 2017. Collection method: clinical testing. Allele origin: germline. Inheritance: Autosomal dominant inheritance. Affected: yes. Observed: 1 variant allele.

Literature cited by the submitters: PubMed 25589632 (cited by Labcorp Genetics (formerly Invitae), Labcorp); PubMed 23975875 (cited by Labcorp Genetics (formerly Invitae), Labcorp).